The following is an entry in ClinVar:

NM_016247.4(IMPG2):c.*2278C>G

Gene: IMPG2 (interphotoreceptor matrix proteoglycan 2; minus strand). Cytogenetic location: 3q12.3.
Variant type: single nucleotide variant.
Coding change: c.*2278C>G on transcript NM_016247.4 (MANE Select); 2278 bases downstream of the stop codon, C replaced by G.
Molecular consequence: 3 prime UTR variant.
Genome position (GRCh38, 1-based): chr3:101,224,691, G>C on the plus strand (C>G on the coding strand, the complement: IMPG2 is on the minus strand). VCF-style: chr3-101224691-G-C. GRCh37 (hg19) VCF-style: chr3-100943535-G-C.
Identifiers: ClinVar variation 342296 (VCV000342296.5), dbSNP rs72930551, ClinGen allele CA10614337.
Genomic context (GRCh38, chr3:101,224,691, plus strand): 5'-TTGTACATGAGTGGATGGATCTTTGCTGGGCAAACTGTGTTCTTCAACCTTTCAACAGTG[G>C]TTCAGCTATAGCAAAGGCAGGACAAAAGTTGTATTCCTCAACTGAGGCCTCCTGTTCTTT-3'

ClinVar aggregate classification (germline): Benign (1 of 4 stars; one submission).

Conditions:
Retinitis pigmentosa (RP). Identifiers: Orphanet 791, MedGen C0035334, MeSH D012174, MONDO:0019200, OMIM 268000. Inheritance: Autosomal dominant, autosomal recessive and X linked inheritance.

Allele frequency attached by ClinVar (database versions not stated): gnomAD 0.02835 and 0.03006; TOPMed 0.03263; 1000 Genomes Project 0.03874; 1000 Genomes Project 30x 0.04060.

Submission:

Illumina Laboratory Services, Illumina
Classification: Benign for Retinitis pigmentosa. Last evaluated: 2018-01-13. Review status: criteria provided, single submitter. Criteria: ICSL Variant Classification Criteria 13 December 2019. Collection method: clinical testing. Allele origin: germline.
Comment: This variant was observed in the ICSL laboratory as part of a predisposition screen in an ostensibly healthy population. It had not been previously curated by ICSL or reported in the Human Gene Mutation Database (HGMD: prior to June 1st, 2018), and was therefore a candidate for classification through an automated scoring system. Utilizing variant allele frequency, disease prevalence and penetrance estimates, and inheritance mode, an automated score was calculated to assess if this variant is too frequent to cause the disease. Based on the score and internal cut-off values, a variant classified as benign is not then subjected to further curation. The score for this variant resulted in a classification of benign for this disease.